The following is an entry in ClinVar:

NM_006118.4(HAX1):c.214_217dup (p.Ile73fs)

Gene: HAX1 (HCLS1 associated protein X-1; plus strand). Cytogenetic location: 1q21.3.
Variant type: Duplication.
Coding change: c.214_217dup on transcript NM_006118.4 (MANE Select); coding-DNA positions 214 to 217, 4 bases duplicated (GGGA; older notation c.214_217dupGGGA).
Protein change: p.Ile73fs; shifts the reading frame from isoleucine 73.
Molecular consequence: frameshift variant.
Genome position (GRCh38, 1-based): chr1:154,273,496-154,273,499, GGGA duplicated; duplicating any 4 consecutive bases within chr1:154,273,493-154,273,499 gives the same sequence; the c. name uses the placement nearest the transcript's 3' end. VCF-style (leftmost placement, unchanged base first): chr1-154273492-A-AGGAG. GRCh37 (hg19) VCF-style: chr1-154245968-A-AGGAG.
Other names: c.70_73dup, p.Ile25fs (NM_001018837.2); short protein forms I25fs, I73fs.
Identifiers: ClinVar variation 1374231 (VCV001374231.6), dbSNP rs2149139793, ClinGen allele CA2573131216.

ClinVar aggregate classification (germline): Pathogenic (1 of 4 stars; one submission).

Conditions:
Kostmann syndrome (SCN3). Also called: KOSTMANN DISEASE; Autosomal recessive severe congenital neutropenia type 3. Identifiers: Orphanet 99749, MedGen C5235141, MONDO:0012548, OMIM 610738.

Submission:

Labcorp Genetics (formerly Invitae), Labcorp
Classification: Pathogenic for Kostmann syndrome. Last evaluated: 2021-08-27. Review status: criteria provided, single submitter. Criteria: Invitae Variant Classification Sherloc (09022015). Collection method: clinical testing. Allele origin: germline.
Comment: This variant has not been reported in the literature in individuals affected with HAX1-related conditions. This sequence change creates a premature translational stop signal (p.Ile73Argfs*7) in the HAX1 gene. It is expected to result in an absent or disrupted protein product. Loss-of-function variants in HAX1 are known to be pathogenic (PMID: 17187068). This variant is not present in population databases (ExAC no frequency). For these reasons, this variant has been classified as Pathogenic.

Literature cited by the submitters: PubMed 17187068.